The following is an entry in ClinVar:

ClinVar aggregate classification (germline): Uncertain significance (1 of 4 stars; one submission).

Conditions:
Familial focal epilepsy with variable foci (FPEVF). Identifiers: Orphanet 98820, MedGen C1858477, MONDO:0020310.

Submission:

Labcorp Genetics (formerly Invitae), Labcorp
Classification: Uncertain significance for Familial focal epilepsy with variable foci. Last evaluated: 2020-10-09. Review status: criteria provided, single submitter. Criteria: Invitae Variant Classification Sherloc (09022015). Collection method: clinical testing. Allele origin: germline.
Comment: In summary, the available evidence is currently insufficient to determine the role of this variant in disease. Therefore, it has been classified as a Variant of Uncertain Significance. Algorithms developed to predict the effect of missense changes on protein structure and function output the following: SIFT: "Tolerated"; PolyPhen-2: "Not Available"; Align-GVGD: "Class C0". The leucine amino acid residue is found in multiple mammalian species, suggesting that this missense change does not adversely affect protein function. These predictions have not been confirmed by published functional studies and their clinical significance is uncertain. This variant has not been reported in the literature in individuals with DEPDC5-related conditions. This variant is not present in population databases (ExAC no frequency). This sequence change replaces valine with leucine at codon 1588 of the DEPDC5 protein (p.Val1588Leu). The valine residue is moderately conserved and there is a small physicochemical difference between valine and leucine.

NM_001242896.3(DEPDC5):c.4762G>C (p.Val1588Leu)

Gene: DEPDC5 (DEP domain containing 5, GATOR1 subcomplex subunit; plus strand). Cytogenetic location: 22q12.3.
Variant type: single nucleotide variant.
Coding change: c.4762G>C on transcript NM_001242896.3 (MANE Select); coding-DNA position 4762, G replaced by C.
Protein change: p.Val1588Leu; replaces valine 1588 with leucine.
Molecular consequence: missense variant. On other transcripts: non-coding transcript variant (5).
Genome position (GRCh38, 1-based): chr22:31,906,447, G>C. VCF-style: chr22-31906447-G-C. GRCh37 (hg19) VCF-style: chr22-32302433-G-C.
Other names: c.4735G>C, p.Val1579Leu (NM_001136029.4); c.4462G>C, p.Val1488Leu (NM_001242897.2); c.4696G>C, p.Val1566Leu (NM_001363852.2, NM_001364320.2); c.4528G>C, p.Val1510Leu (NM_001363854.2, NM_001364319.2); c.4762G>C, p.Val1588Leu (NM_001364318.2); c.4678G>C, p.Val1560Leu (NM_001369901.1, NM_001369902.1); c.4669G>C, p.Val1557Leu (NM_001369903.1, NM_014662.6); short protein forms V1488L, V1510L, V1557L, V1560L, V1566L, V1579L, V1588L.
Identifiers: ClinVar variation 1063446 (VCV001063446.9), dbSNP rs2149450028, ClinGen allele CA411293232.